The following is an entry in ClinVar:

ClinVar aggregate classification (germline): Uncertain significance (1 of 4 stars; one submission).

Conditions:
Rhabdoid tumor predisposition syndrome 2 (RTPS2). Identifiers: Orphanet 231108, Orphanet 69077, MedGen C2750074, MONDO:0013224, OMIM 613325.

Submission:

Labcorp Genetics (formerly Invitae), Labcorp
Classification: Uncertain significance for Rhabdoid tumor predisposition syndrome 2. Last evaluated: 2023-04-25. Review status: criteria provided, single submitter. Criteria: Invitae Variant Classification Sherloc (09022015). Collection method: clinical testing. Allele origin: germline.
Comment: This sequence change replaces methionine, which is neutral and non-polar, with isoleucine, which is neutral and non-polar, at codon 886 of the SMARCA4 protein (p.Met886Ile). This variant is not present in population databases (gnomAD no frequency). This variant has not been reported in the literature in individuals affected with SMARCA4-related conditions. Advanced modeling of protein sequence and biophysical properties (such as structural, functional, and spatial information, amino acid conservation, physicochemical variation, residue mobility, and thermodynamic stability) has been performed at Invitae for this missense variant, however the output from this modeling did not meet the statistical confidence thresholds required to predict the impact of this variant on SMARCA4 protein function. In summary, the available evidence is currently insufficient to determine the role of this variant in disease. Therefore, it has been classified as a Variant of Uncertain Significance.

NM_003072.5(SMARCA4):c.2658G>A (p.Met886Ile)

Gene: SMARCA4 (SWI/SNF related BAF chromatin remodeling complex subunit ATPase 4; plus strand). Cytogenetic location: 19p13.2.
Variant type: single nucleotide variant.
Coding change: c.2658G>A on transcript NM_003072.5 (MANE Select); coding-DNA position 2658, G replaced by A.
Protein change: p.Met886Ile; replaces methionine 886 with isoleucine.
Molecular consequence: missense variant. On other transcripts: non-coding transcript variant (1).
Genome position (GRCh38, 1-based): chr19:11,021,766, G>A. VCF-style: chr19-11021766-G-A. GRCh37 (hg19) VCF-style: chr19-11132442-G-A.
Other names: c.2658G>A, p.Met886Ile (NM_001128844.3, NM_001128845.2, NM_001128846.2 and 6 more transcripts); short protein forms M886I.
Identifiers: ClinVar variation 2856470 (VCV002856470.3), dbSNP rs2146416393, ClinGen allele CA404055817.